The following is an entry in ClinVar:

NM_000051.4(ATM):c.2376+31T>C

Gene: ATM (ATM serine/threonine kinase; plus strand). Cytogenetic location: 11q22.3.
Variant type: single nucleotide variant.
Coding change: c.2376+31T>C on transcript NM_000051.4 (MANE Select); 31 bases into the intron after coding-DNA position 2376, T replaced by C.
Molecular consequence: intron variant.
Genome position (GRCh38, 1-based): chr11:108,257,637, T>C. VCF-style: chr11-108257637-T-C. GRCh37 (hg19) VCF-style: chr11-108128364-T-C.
Other names: c.2376+31T>C (NM_001351834.2).
Identifiers: ClinVar variation 4539293 (VCV004539293.1).

ClinVar aggregate classification (germline): Likely benign (1 of 4 stars; one submission).

Submission:

Center for Genomic Medicine, Rigshospitalet, Copenhagen University Hospital
Classification: Likely benign. Last evaluated: 2025-12-29. Review status: criteria provided, single submitter. Criteria: ACMG Guidelines, 2015. Collection method: clinical testing. Allele origin: germline.
Comment: Classification criteria: BP4, BP7